The following is an entry in ClinVar:

NM_001079843.3(CASZ1):c.2093G>A (p.Arg698His)

Gene: CASZ1 (castor zinc finger 1; minus strand). Cytogenetic location: 1p36.22.
Variant type: single nucleotide variant.
Coding change: c.2093G>A on transcript NM_001079843.3 (MANE Select); coding-DNA position 2093, G replaced by A.
Protein change: p.Arg698His; replaces arginine 698 with histidine.
Molecular consequence: missense variant.
Genome position (GRCh38, 1-based): chr1:10,653,964, C>T on the plus strand (G>A on the coding strand, the complement: CASZ1 is on the minus strand). VCF-style: chr1-10653964-C-T. GRCh37 (hg19) VCF-style: chr1-10714021-C-T.
Other names: c.2093G>A, p.Arg698His (NM_017766.5); short protein forms R698H.
Identifiers: ClinVar variation 3708914 (VCV003708914.2).

ClinVar aggregate classification (germline): Uncertain significance (1 of 4 stars; one submission).

gnomAD v4.1: 50 of 1,613,852 alleles (0.0031%); highest among the groups gnomAD compares: Middle Eastern, 0.38%; no homozygotes.

Submission:

Labcorp Genetics (formerly Invitae), Labcorp
Classification: Uncertain significance. Last evaluated: 2024-05-04. Review status: criteria provided, single submitter. Criteria: Invitae Variant Classification Sherloc (09022015). Collection method: clinical testing. Allele origin: germline.
Comment: This sequence change replaces arginine, which is basic and polar, with histidine, which is basic and polar, at codon 698 of the CASZ1 protein (p.Arg698His). This variant is present in population databases (rs372266528, gnomAD 0.01%). This variant has not been reported in the literature in individuals affected with CASZ1-related conditions. An algorithm developed to predict the effect of missense changes on protein structure and function (PolyPhen-2) suggests that this variant is likely to be disruptive. In summary, the available evidence is currently insufficient to determine the role of this variant in disease. Therefore, it has been classified as a Variant of Uncertain Significance.